The following is an entry in ClinVar:

ClinVar aggregate classification (germline): Pathogenic. Review status: criteria provided, multiple submitters, no conflicts (2 of 4 stars). 12 submissions from 12 submitters: Pathogenic (12). Last evaluated 2026-08-11.

Conditions:
Inborn genetic diseases. Identifiers: MedGen C0950123, MeSH D030342.
Familial hypokalemia-hypomagnesemia (GTLMNS). Also called: POTASSIUM AND MAGNESIUM DEPLETION; HYPOMAGNESEMIA-HYPOKALEMIA, PRIMARY RENOTUBULAR, WITH HYPOCALCIURIA; gitelman syndrome. Identifiers: Orphanet 358, MedGen C0268450, MONDO:0009904, OMIM 263800.
SLC12A3-related disorder. Also called: SLC12A3-related condition.
Renal tubulopathies.

Allele frequency attached by ClinVar (database versions not stated): gnomAD 0.00004; TOPMed 0.00004.
gnomAD v4.1: 75 of 1,613,654 alleles (0.0046%); highest among the groups gnomAD compares: Non-Finnish European, 0.006%; no homozygotes.

Submissions (12):

Genetics Laboratory, Great Ormond Street Hospital NHS Foundation Trust, North Thames Genomic Laboratory Hub
Classification: Pathogenic for Renal tubulopathies. Last evaluated: 2026-08-11. Review status: criteria provided, single submitter. Criteria: ACGS Best Practice Guidelines for Variant Classification in Rare Disease 2024 v1.2. Collection method: clinical testing. Allele origin: germline. Affected: yes.
Comment: PM2_moderate, PP3_supporting, PM5_moderate, PM3_strong, PP4_supporting

Victorian Clinical Genetics Services, Murdoch Childrens Research Institute
Classification: Pathogenic for Familial hypokalemia-hypomagnesemia. Last evaluated: 2025-12-17. Review status: criteria provided, single submitter. Criteria: ACMG Guidelines, 2015. Collection method: clinical testing. Allele origin: germline. Affected: yes.
Comment: This variant is classified as Pathogenic. Evidence in support of pathogenic classification: Variant is present in gnomAD <0.01 for a recessive condition (v4: 75 heterozygote(s), 0 homozygote(s)); This variant has strong previous evidence of pathogenicity in unrelated individuals. This variant has been classified as likely pathogenic by multiple clinical laboratories in ClinVar; Other missense variant(s) comparable to the one identified in this case have strong previous evidence for pathogenicity. p.(Arg209Pro) and p.(Arg209Trp) have both been classified as likely pathogenic/pathogenic by clinical laboratories in ClinVar; Missense variant predicted to be damaging by in silico tool(s) or highly conserved with a major amino acid change. Additional information: Variant is predicted to result in a missense amino acid change from Arg to Gln; This variant is heterozygous; This gene is associated with autosomal recessive disease; Alternative amino acid change(s) at the same position are present in gnomAD (highest allele count: v4: 15 heterozygote(s), 0 homozygote(s)); Variant is located in the annotated amino acid permease domain (DECIPHER); Loss of function is a known mechanism of disease in this gene and is associated with Gitelman syndrome (MIM#263800); Inheritance information for this variant is not currently available in this individual.

Natera, Inc.
Classification: Pathogenic for Gitelman syndrome. Last evaluated: 2025-10-23. Review status: criteria provided, single submitter. Criteria: Natera Variant Classification Schema (03/2026). Collection method: clinical testing. Allele origin: germline.
Comment: The c.626G>A variant in SLC12A3 is a missense variant predicted to cause substitution of arginine to glutamine at amino acid 209. This variant is rare in the general population with a frequency below the threshold expected for the associated phenotype(s). This variant has been observed in one or more individuals affected with the associated recessive disease, as either homozygous or compound heterozygous with a second variant (PMID: 21415153). Given the available evidence, this variant is classified as Pathogenic.

Revvity Omics, Revvity
Classification: Pathogenic for Familial hypokalemia-hypomagnesemia. Last evaluated: 2025-01-27. Review status: criteria provided, single submitter. Criteria: ACMG Guidelines, 2015. Collection method: clinical testing. Allele origin: germline.

Labcorp Genetics (formerly Invitae), Labcorp
Classification: Pathogenic. Last evaluated: 2024-10-16. Review status: criteria provided, single submitter. Criteria: Invitae Variant Classification Sherloc (09022015). Collection method: clinical testing. Allele origin: germline.
Comment: This sequence change replaces arginine, which is basic and polar, with glutamine, which is neutral and polar, at codon 209 of the SLC12A3 protein (p.Arg209Gln). This variant is present in population databases (rs758035631, gnomAD 0.004%). This missense change has been observed in individuals with Gitelman syndrome (PMID: 11168953, 21415153, 23328711). ClinVar contains an entry for this variant (Variation ID: 805472). Invitae Evidence Modeling of protein sequence and biophysical properties (such as structural, functional, and spatial information, amino acid conservation, physicochemical variation, residue mobility, and thermodynamic stability) indicates that this missense variant is expected to disrupt SLC12A3 protein function with a positive predictive value of 95%. This variant disrupts the p.Arg209 amino acid residue in SLC12A3. Other variant(s) that disrupt this residue have been determined to be pathogenic (PMID: 8528245, 11168953, 21415153). This suggests that this residue is clinically significant, and that variants that disrupt this residue are likely to be disease-causing. For these reasons, this variant has been classified as Pathogenic.

Fulgent Genetics
Classification: Pathogenic for Familial hypokalemia-hypomagnesemia. Last evaluated: 2024-04-22. Review status: criteria provided, single submitter. Criteria: ACMG Guidelines, 2015. Collection method: clinical testing. Allele origin: germline.

PreventionGenetics, part of Exact Sciences
Classification: Pathogenic for SLC12A3-related condition. Last evaluated: 2023-08-09. Review status: criteria provided, single submitter. Criteria: ACMG Guidelines, 2015. Collection method: clinical testing. Allele origin: germline.
Comment: The SLC12A3 c.626G>A variant is predicted to result in the amino acid substitution p.Arg209Gln. This variant has been reported along with a second plausibly disease causing variant in several individuals with Gitelman syndrome (compound heterozygous phase is implied in these publications without evidence: Cruz et al 2001. PubMed ID: 11168953; Vargas-Poussou R et al 2011. PubMed ID: 21415153; Berry MR et al 2013. PubMed ID: 23328711; Walsh PR et al 2017. PubMed ID: 29942493). This variant is reported in 0.0040% of alleles in individuals of African descent in gnomAD. A different substitution affecting the same codon (p.Arg209Trp) has also been reported to be pathogenic for Gitelman syndrome (see for example, Simon et al. 1996. PubMed ID: 8528245; Vargas-Poussou et al. 2011. PubMed ID: 21415153; Cruz et al. 2001. PubMed ID: 11168953). Taken together the c.626G>A (p.Arg209Gln) variant is interpreted as pathogenic.

Ambry Genetics
Classification: Pathogenic for Inborn genetic diseases. Last evaluated: 2022-06-03. Review status: criteria provided, single submitter. Criteria: Ambry Variant Classification Scheme 2023. Collection method: clinical testing. Allele origin: germline.
Comment: The c.626G>A (p.R209Q) alteration is located in exon 5 (coding exon 5) of the SLC12A3 gene. This alteration results from a G to A substitution at nucleotide position 626, causing the arginine (R) at amino acid position 209 to be replaced by a glutamine (Q). Based on data from gnomAD, the A allele has an overall frequency of <0.0% (8/282586) total alleles studied. This alteration was detected in the homozygous state, and in conjunction with another alteration in SLC12A3, in multiple individuals with Gitelman syndrome (Ji, 2008; Vargas-Poussou, 2011; Glaudemans, 2012; Berry, 2013; Iqbal, 2016; Walsh, 2018; Hureaux, 2019; Cruz, 2020). This amino acid position is highly conserved in available vertebrate species. This alteration is predicted to be deleterious by in silico analysis. Based on the available evidence, this alteration is classified as pathogenic.

Genome-Nilou Lab
Classification: Pathogenic for Familial hypokalemia-hypomagnesemia. Last evaluated: 2021-07-15. Review status: criteria provided, single submitter. Criteria: ACMG Guidelines, 2015. Collection method: clinical testing. Allele origin: germline. Affected: no.

Athena Diagnostics
Classification: Pathogenic. Last evaluated: 2019-06-19. Review status: criteria provided, single submitter. Criteria: Athena Diagnostics Criteria. Collection method: clinical testing. Allele origin: germline.
Comment: The best available variant frequency is uninformative because there are too few occurrences in population data. Statistically enriched in patients compared to ethnically matched controls. Found in at least one symptomatic patient. Predicted to have a damaging effect on the protein. The gain of a new splice site is predicted. Occurs in three or more cases with a recessive pathogenic variant in the same gene.

Juno Genomics, Hangzhou Juno Genomics, Inc
Classification: Pathogenic for Familial hypokalemia-hypomagnesemia. Review status: criteria provided, single submitter. Criteria: ACMG Guidelines, 2015. Collection method: clinical testing. Allele origin: germline.
Comment: Absent from controls (or at extremely low frequency if recessive) in Genome Aggregation Database.;For recessive disorders, detected in trans with a pathogenic variant.;Patient's phenotype or family history is highly specific for a disease with a single genetic etiology.;Multiple lines of computational evidence support a deleterious effect on the gene or gene product.

Neuberg Centre For Genomic Medicine, NCGM
Classification: Pathogenic for Familial hypokalemia-hypomagnesemia. Review status: criteria provided, single submitter. Criteria: ACMG Guidelines, 2015. Collection method: clinical testing. Allele origin: germline. Inheritance: Autosomal recessive inheritance. Affected: yes.
Comment: The observed missense c.626G>A (p.Arg209Gln) variant in SLC12A3 gene has been reported previously in homozygous state in multiple individuals affected with Gitelman syndrome (Cruz et al., 2001; Vargas-Poussou et al., 2011; Berry et al., 2013). This variant is present with allele frequency of 0.003% in gnomAD Exomes. This variant has been submitted to the ClinVar database as Pathogenic (multiple submissions). Multiple lines of computational evidence (Polyphen - Probably Damaging, SIFT - Damging and MutationTaster - Disease causing) predict a damaging effect on protein structure and function for this variant. The reference amino acid of p.Arg209Gln in SLC12A3 is predicted as conserved by GERP++ and PhyloP across 100 vertebrates. The amino acid Arg at position 209 is changed to a Gln changing protein sequence and it might alter its composition and physico-chemical properties. For these reasons, this variant has been classified as Pathogenic.

Literature cited by the submitters: PubMed 21415153 (cited by 4 submitters); PubMed 11168953 (cited by 3 submitters); PubMed 23328711 (cited by 3 submitters); PubMed 8528245 (cited by Labcorp Genetics (formerly Invitae), Labcorp); PubMed 18391953 (cited by Ambry Genetics); PubMed 22009145 (cited by Ambry Genetics and Athena Diagnostics); PubMed 27303630 (cited by Ambry Genetics and Athena Diagnostics); PubMed 29942493 (cited by Ambry Genetics and Athena Diagnostics); PubMed 31672324 (cited by Ambry Genetics).

NM_001126108.2(SLC12A3):c.626G>A (p.Arg209Gln)

Gene: SLC12A3 (solute carrier family 12 member 3; plus strand). Cytogenetic location: 16q13.
Variant type: single nucleotide variant.
Coding change: c.626G>A on transcript NM_001126108.2 (MANE Select); coding-DNA position 626, G replaced by A.
Protein change: p.Arg209Gln; replaces arginine 209 with glutamine.
Molecular consequence: missense variant.
Genome position (GRCh38, 1-based): chr16:56,870,120, G>A. VCF-style: chr16-56870120-G-A. GRCh37 (hg19) VCF-style: chr16-56904032-G-A.
Other names: c.626G>A, p.Arg209Gln (NM_000339.3); c.623G>A, p.Arg208Gln (NM_001126107.2); short protein forms R208Q, R209Q.
Identifiers: ClinVar variation 805472 (VCV000805472.24), dbSNP rs758035631, ClinGen allele CA8069131.
Genomic context (GRCh38, chr16:56,870,120, plus strand): 5'-CATCTGGTTTCATGGTTCCCGGCTCTGCCCTGATAGGTGGCACCTACTTCCTCATCTCCC[G>A]GAGTCTGGGCCCAGAGCTTGGGGGCTCCATCGGCCTCATTTTCGCTTTCGCCAATGCCGT-3'
Protein context (NP_001119580.2, residues 199-219): KSGGTYFLIS[Arg209Gln]SLGPELGGSI